The following is an entry in ClinVar:

ClinVar aggregate classification (germline): Pathogenic. Review status: criteria provided, single submitter (1 of 4 stars). 2 submissions from 2 submitters: Pathogenic (1). 1 of the submissions does not count toward it. Last evaluated 2025-10-24.

Conditions:
Alport syndrome 3b, autosomal recessive. Identifiers: MedGen C5882699, MONDO:0957811, OMIM 620536.

Submissions (2):

3billion
Classification: Pathogenic for Alport syndrome 3b, autosomal recessive. Last evaluated: 2025-10-24. Review status: criteria provided, single submitter. Criteria: ACMG Guidelines, 2015. Collection method: clinical testing. Allele origin: germline. Affected: yes.
Comment: The variant is not observed in the gnomAD v4.1.0 dataset. Predicted Consequence/Location: Frameshift: predicted to result in a loss or disruption of normal protein function through nonsense-mediated decay (NMD) or protein truncation. Multiple pathogenic variants are reported downstream of the variant. The variant has been reported to be associated with COL4A3-related disorder (ClinVar ID: VCV002637415 /PMID: 11134255). Therefore, this variant is classified as Pathogenic according to the recommendation of ACMG/AMP guideline.

Medical Genetics Department, Charles Nicolle Hospital Tunis
Classification: Likely pathogenic for Alport syndrome 3b, autosomal recessive. Last evaluated: 2022-09-05. Review status: no assertion criteria provided. Collection method: clinical testing. Allele origin: inherited. Affected: yes. Observed: 1 homozygote. Not counted in ClinVar's aggregate classification.
Comment: DNA sequencing revealed novel homozygous frameshift mutations, NM_000091: c.4280delG p.(Gly1427fs) in 5 patients belonging to three unrelated families from different regions of Tunisia. All parents were confirmed to be heterozygous carriers. The frameshift NM_000091: c.4280delG p.(Gly1427fs) segregated according to a recessive model with full penetrance. NM_000091: c.4280delG p.(Gly1427fs) was not referenced in the NHLBI Exome Variant Server or in the ClinVar database.

Literature cited by the submitters: PubMed 11134255 (cited by 3billion); DOI 10.1681/ASN.2009070784 (cited by Medical Genetics Department, Charles Nicolle Hospital Tunis).

NM_000091.5(COL4A3):c.4280del (p.Gly1427fs)

Genes: COL4A3 (collagen type IV alpha 3 chain; plus strand), MFF-DT (MFF divergent transcript; minus strand). Cytogenetic location: 2q36.3.
Variant type: Deletion.
Coding change: c.4280del on transcript NM_000091.5 (MANE Select); coding-DNA position 4280, one base deleted (G; older notation c.4280delG).
Protein change: p.Gly1427fs; shifts the reading frame from glycine 1427.
Molecular consequence: frameshift variant.
Genome position (GRCh38, 1-based): chr2:227,307,737, G deleted; the last of 2 consecutive G bases (chr2:227,307,736-227,307,737); deleting either gives the same sequence. VCF-style (leftmost placement, unchanged base first): chr2-227307735-AG-A. GRCh37 (hg19) VCF-style: chr2-228172451-AG-A.
Other names: c.4280delG (NM_000091.5); short protein forms G1427fs.
Identifiers: ClinVar variation 2637415 (VCV002637415.2), dbSNP rs2469930740, ClinGen allele CA2586971514.